The following is an entry in ClinVar:

NM_000548.5(TSC2):c.3796_3797del (p.Leu1266fs)

Gene: TSC2 (TSC complex subunit 2; plus strand). Cytogenetic location: 16p13.3.
Variant type: Microsatellite.
Coding change: c.3796_3797del on transcript NM_000548.5 (MANE Select); coding-DNA positions 3796 to 3797, 2 bases deleted (CT; older notation c.3796_3797delCT).
Protein change: p.Leu1266fs; shifts the reading frame from leucine 1266.
Molecular consequence: frameshift variant. On other transcripts: non-coding transcript variant (5).
Genome position (GRCh38, 1-based): chr16:2,081,780-2,081,781, CT deleted; deleting any 2 consecutive bases within chr16:2,081,778-2,081,781 gives the same sequence; the c. name uses the placement nearest the transcript's 3' end. VCF-style (leftmost placement, unchanged base first): chr16-2081777-CCT-C. GRCh37 (hg19) VCF-style: chr16-2131778-CCT-C.
Other names: c.3793_3794del, p.Leu1265fs (NM_001406663.1, NM_001406664.1); c.3664_3665del, p.Leu1222fs (NM_001406665.1, NM_001077183.3, NM_001370404.1); c.3757_3758del, p.Leu1253fs (NM_001406667.1); c.3754_3755del, p.Leu1252fs (NM_001406668.1); c.3685_3686del, p.Leu1229fs (NM_001406670.1); c.3655_3656del, p.Leu1219fs (NM_001406671.1); c.3652_3653del, p.Leu1218fs (NM_001406673.1); c.3649_3650del, p.Leu1217fs (NM_001406675.1); and 20 more; short protein forms L1185fs, L1222fs, L1252fs, L1253fs, L774fs, L1069fs, L1217fs, L1218fs.
Identifiers: ClinVar variation 3724267 (VCV003724267.5).

ClinVar aggregate classification (germline): Pathogenic/Likely pathogenic. Review status: criteria provided, multiple submitters, no conflicts (2 of 4 stars). 3 submissions from 3 submitters: Pathogenic (2); Likely pathogenic (1). Last evaluated 2026-09-25.

Conditions:
Tuberous sclerosis 2 (TSC2). Identifiers: Orphanet 805, MedGen C1860707, MONDO:0013199, OMIM 613254.
Lymphangiomyomatosis (LAM). Also called: Lymphangioleiomyomatosis; Lymphangioleiomyomatosis, somatic. Identifiers: Orphanet 538, MedGen C0751674, MONDO:0011705, OMIM 606690.
Isolated focal cortical dysplasia type II (FCORD2). Also called: CORTICAL DYSPLASIA OF TAYLOR; Focal cortical dysplasia type II. Identifiers: Orphanet 268994, MedGen C1846385, MONDO:0011818, OMIM 607341, HP:0032051.

Submissions (3):

GeneDx
Classification: Likely pathogenic. Last evaluated: 2026-09-25. Review status: criteria provided, single submitter. Criteria: GeneDx Variant Classification Process June 2021. Collection method: clinical testing. Allele origin: germline.
Comment: Reported in an individual with a neurodevelopmental psychiatric disorder, however further clinical information was not provided (PMID: 36475376); Frameshift variant predicted to result in protein truncation or nonsense mediated decay in a gene for which loss of function is a known mechanism of disease; Not observed at significant frequency in large population cohorts (gnomAD); This variant is associated with the following publications: (PMID: 36475376)

Labcorp Genetics (formerly Invitae), Labcorp
Classification: Pathogenic for Tuberous sclerosis 2. Last evaluated: 2025-02-20. Review status: criteria provided, single submitter. Criteria: Invitae Variant Classification Sherloc (09022015). Collection method: clinical testing. Allele origin: germline.
Comment: This sequence change creates a premature translational stop signal (p.Leu1266Alafs*55) in the TSC2 gene. It is expected to result in an absent or disrupted protein product. Loss-of-function variants in TSC2 are known to be pathogenic (PMID: 10205261, 17304050). This variant is not present in population databases (gnomAD no frequency). This variant has not been reported in the literature in individuals affected with TSC2-related conditions. For these reasons, this variant has been classified as Pathogenic.

Department of Pathology and Laboratory Medicine, Sinai Health System
Classification: Pathogenic for Lymphangiomyomatosis; Isolated focal cortical dysplasia type II; Tuberous sclerosis 2. Last evaluated: 2024-09-12. Review status: criteria provided, single submitter. Criteria: ACMG Guidelines, 2015. Collection method: clinical testing. Allele origin: germline.

Literature cited by the submitters: PubMed 10205261 (cited by Labcorp Genetics (formerly Invitae), Labcorp); PubMed 17304050 (cited by Labcorp Genetics (formerly Invitae), Labcorp).